The following is an entry in ClinVar:

NM_002769.5(PRSS1):c.61G>C (p.Asp21His)

Genes: TRB (T cell receptor beta locus; plus strand), PRSS1 (serine protease 1; plus strand). Cytogenetic location: 7q34.
Variant type: single nucleotide variant.
Coding change: c.61G>C on transcript NM_002769.5 (MANE Select); coding-DNA position 61, G replaced by C.
Protein change: p.Asp21His; replaces aspartic acid 21 with histidine.
Molecular consequence: missense variant. On other transcripts: non-coding transcript variant (2).
Genome position (GRCh38, 1-based): chr7:142,750,575, G>C. VCF-style: chr7-142750575-G-C. GRCh37 (hg19) VCF-style: chr7-142458426-G-C.
Other names: short protein forms D21H.
Identifiers: ClinVar variation 1752175 (VCV001752175.2), dbSNP rs1222840668, ClinGen allele CA369607059.

ClinVar aggregate classification (germline): Uncertain significance (1 of 4 stars; one submission).

Conditions:
Hereditary pancreatitis (PCTT). Also called: Hereditary chronic pancreatitis; PRSS1-Related Hereditary Pancreatitis. Identifiers: Orphanet 676, MedGen C0238339, MONDO:0008185, OMIM 167800.

Submission:

Ambry Genetics
Classification: Uncertain significance for Hereditary pancreatitis. Last evaluated: 2022-03-01. Review status: criteria provided, single submitter. Criteria: Ambry Variant Classification Scheme 2023. Collection method: clinical testing. Allele origin: germline.
Comment: The p.D21H variant (also known as c.61G>C), located in coding exon 2 of the PRSS1 gene, results from a G to C substitution at nucleotide position 61. The aspartic acid at codon 21 is replaced by histidine, an amino acid with similar properties. This amino acid position is conserved. In addition, the in silico prediction for this alteration is inconclusive. Since supporting evidence is limited at this time, the clinical significance of this alteration remains unclear.